The following is an entry in ClinVar:

ClinVar aggregate classification (germline): Conflicting classifications of pathogenicity. Review status: criteria provided, conflicting classifications (1 of 4 stars). 4 submissions from 4 submitters: Uncertain significance (1); Benign (2); Likely benign (1). Last evaluated 2026-01-28.

Conditions:
Retinitis pigmentosa (RP). Identifiers: Orphanet 791, MedGen C0035334, MeSH D012174, MONDO:0019200, OMIM 268000. Inheritance: Autosomal dominant, autosomal recessive and X linked inheritance.
Retinal dystrophy. Also called: Inherited retinal dystrophy. Identifiers: Orphanet 71862, MedGen C0854723, MeSH D058499, MONDO:0019118, HP:0000556.

Allele frequency attached by ClinVar (database versions not stated): gnomAD 0.00039 and 0.00059; TOPMed 0.00063; ExAC 0.00163; 1000 Genomes Project 30x 0.00297; 1000 Genomes Project 0.00319.
gnomAD v4.1: 787 of 1,610,444 alleles (0.049%); highest among the groups gnomAD compares: East Asian, 1.5%; 5 homozygotes.

Submissions (4):

Labcorp Genetics (formerly Invitae), Labcorp
Classification: Benign. Last evaluated: 2026-01-28. Review status: criteria provided, single submitter. Criteria: Invitae Variant Classification Sherloc (09022015). Collection method: clinical testing. Allele origin: germline.

Dept Of Ophthalmology, Nagoya University
Classification: Benign for Retinal dystrophy. Last evaluated: 2023-10-01. Review status: criteria provided, single submitter. Criteria: Submitter's publication. Collection method: research. Allele origin: germline. Affected: yes.

Illumina Laboratory Services, Illumina
Classification: Uncertain significance for Retinitis pigmentosa. Last evaluated: 2018-01-13. Review status: criteria provided, single submitter. Criteria: ICSL Variant Classification Criteria 13 December 2019. Collection method: clinical testing. Allele origin: germline.

GeneDx
Classification: Likely benign. Last evaluated: 2015-03-03. Review status: criteria provided, single submitter. Criteria: GeneDx Variant Classification Process June 2021. Collection method: clinical testing. Allele origin: germline. Affected: yes.
Comment: This variant is associated with the following publications: (PMID: 31180159, 29641573)

NM_004183.4(BEST1):c.1070C>T (p.Ala357Val)

Gene: BEST1 (bestrophin 1; plus strand). Cytogenetic location: 11q12.3.
Variant type: single nucleotide variant.
Coding change: c.1070C>T on transcript NM_004183.4 (MANE Select); coding-DNA position 1070, C replaced by T.
Protein change: p.Ala357Val; replaces alanine 357 with valine.
Molecular consequence: missense variant. On other transcripts: non-coding transcript variant (1).
Genome position (GRCh38, 1-based): chr11:61,960,013, C>T. VCF-style: chr11-61960013-C-T. GRCh37 (hg19) VCF-style: chr11-61727485-C-T.
Other names: c.890C>T, p.Ala297Val (NM_001139443.3, NM_001300787.2); c.809C>T, p.Ala270Val (NM_001300786.2); c.752C>T, p.Ala251Val (NM_001363591.3); c.1273C>T, p.Pro425Ser (NM_001363592.2); c.98C>T, p.Ala33Val (NM_001363593.3); short protein forms A357V, A251V, P425S, A270V, A297V, A33V.
Identifiers: ClinVar variation 305125 (VCV000305125.18), dbSNP rs17854138, ClinGen allele CA6040979.
Genomic context (GRCh38, chr11:61,960,013, plus strand): 5'-ACTGGAATAAGCCCGAGCCACAGCCCCCCTACACAGCTGCTTCCGCCCAGTTCCGTCGAG[C>T]CTCCTTTATGGGCTCCACCTTCAACATCAGGTGTGGCCAGAGCCAGGGGGCTGGGTGGGA-3'
Protein context (NP_004174.1, residues 347-367): YTAASAQFRR[Ala357Val]SFMGSTFNIS